The following is an entry in ClinVar:

ClinVar aggregate classification (germline): Conflicting classifications of pathogenicity. Review status: criteria provided, conflicting classifications (1 of 4 stars). 2 submissions from 2 submitters: Uncertain significance (1); Likely benign (1). Last evaluated 2024-05-27.

Conditions:
Cardiomyopathy (CMYO). Also called: Cardiomyopathies. Identifiers: Orphanet 167848, MedGen C0878544, MONDO:0004994, HP:0001638. Inheritance: Various modes of inheritance.
Hypertrophic cardiomyopathy. Also called: HYPERTROPHIC MYOCARDIOPATHY. Identifiers: Orphanet 217569, MedGen C0007194, MeSH D002312, MONDO:0005045, HP:0001639.

Allele frequency attached by ClinVar (database versions not stated): ExAC 0.00002; gnomAD exomes 0.00002; ESP Exome Variant Server 0.00008.
gnomAD v4.1: 25 of 1,614,206 alleles (0.0015%); highest among the groups gnomAD compares: Non-Finnish European, 0.002%; no homozygotes.

Submissions (2):

Labcorp Genetics (formerly Invitae), Labcorp
Classification: Likely benign for Hypertrophic cardiomyopathy. Last evaluated: 2024-05-27. Review status: criteria provided, single submitter. Criteria: Invitae Variant Classification Sherloc (09022015). Collection method: clinical testing. Allele origin: germline.

All of Us Research Program, National Institutes of Health
Classification: Uncertain significance for Cardiomyopathy. Last evaluated: 2023-05-04. Review status: criteria provided, single submitter. Criteria: ACMG Guidelines, 2015. Collection method: clinical testing. Allele origin: germline. Inheritance: Autosomal dominant inheritance. Observed: 1 variant allele, 1 heterozygote.
Comment: This synonymous variant causes a nucleotide substitution but does not change the encoded amino acid at codon 883 of the MYH7 protein. To our knowledge, functional studies have not been reported for this variant. This variant has not been reported in individuals affected with MYH7-related disorders in the literature. This variant has been identified in 4/251158 chromosomes in the general population by the Genome Aggregation Database (gnomAD). The available evidence is insufficient to determine the role of this variant in disease conclusively. Therefore, this variant is classified as a Variant of Uncertain Significance.

This study involves interpretation of variants in research participants for the purpose of population health screening. Participant phenotype was not available at the time of variant classification. Additional details can be found in publication PMID: 35346344, PMCID: PMC8962531

NM_000257.4(MYH7):c.2649G>A (p.Glu883=)

Genes: MYH7 (myosin heavy chain 7; minus strand), LOC126861898 (BRD4-independent group 4 enhancer GRCh37_chr14:23893609-23894808; plus strand). Cytogenetic location: 14q11.2.
Variant type: single nucleotide variant.
Coding change: c.2649G>A on transcript NM_000257.4 (MANE Select); coding-DNA position 2649, G replaced by A.
Protein change: p.Glu883=; no amino-acid change (glutamic acid 883 retained).
Molecular consequence: synonymous variant.
Genome position (GRCh38, 1-based): chr14:23,424,799, C>T on the plus strand (G>A on the coding strand, the complement: MYH7 is on the minus strand). VCF-style: chr14-23424799-C-T. GRCh37 (hg19) VCF-style: chr14-23894008-C-T.
Other names: c.2649G>A, p.Glu883= (NM_001407004.1).
Identifiers: ClinVar variation 2897299 (VCV002897299.4), dbSNP rs140434009, ClinGen allele CA033602.